The following is an entry in ClinVar:

ClinVar aggregate classification (germline): Uncertain significance. Review status: criteria provided, multiple submitters, no conflicts (2 of 4 stars). 2 submissions from 2 submitters: Uncertain significance (2). Last evaluated 2024-03-19.

Conditions:
Intellectual developmental disorder with autism and speech delay. Also called: AUTS5; AUTISM-RELATED SPEECH DELAY; Autism 5; PHRASE SPEECH DELAY, AUTISM-RELATED; Autism, susceptibility to, 5. Identifiers: MedGen C1853755, MONDO:0011627, OMIM 606053.

Submissions (2):

Blueprint Genetics
Classification: Uncertain significance. Last evaluated: 2024-03-19. Review status: criteria provided, single submitter. Criteria: ACMG Guidelines, 2015. Collection method: clinical testing. Allele origin: germline.

Institute of Human Genetics, University of Goettingen
Classification: Uncertain significance for Intellectual developmental disorder with autism and speech delay. Last evaluated: 2020-11-17. Review status: criteria provided, single submitter. Criteria: ACMG Guidelines, 2015. Collection method: clinical testing. Allele origin: unknown. Inheritance: Autosomal dominant inheritance. Observed: 1 variant allele, 1 heterozygote.
Comment: The variant c.1948A>G, (p.(Ser650Gly)) in exon 6 of the TBR1-gene is not found in the gnomAD database. The mutation has not yet been described in the literature or listed in the databases HGMD and ClinVar databases. This variant has a pathogenic computational verdict based on in silico prediction programs (M-CAP, SIFT), but to our knowledge no functional characterization to determine the functional consequence of this substitution was performed as of yet. ACMG criteria used for classification: PM2, PP2.

NM_006593.4(TBR1):c.1948A>G (p.Ser650Gly)

Gene: TBR1 (T-box brain transcription factor 1; plus strand). Cytogenetic location: 2q24.2.
Variant type: single nucleotide variant.
Coding change: c.1948A>G on transcript NM_006593.4 (MANE Select); coding-DNA position 1948, A replaced by G.
Protein change: p.Ser650Gly; replaces serine 650 with glycine.
Molecular consequence: missense variant.
Genome position (GRCh38, 1-based): chr2:161,424,126, A>G. VCF-style: chr2-161424126-A-G. GRCh37 (hg19) VCF-style: chr2-162280637-A-G.
Other names: short protein forms S650G.
Identifiers: ClinVar variation 997007 (VCV000997007.4), dbSNP rs1684282566, ClinGen allele CA349214942.
Genomic context (GRCh38, chr2:161,424,126, plus strand): 5'-GGGATTTACGAGCAGGCCAAGCGGAGGCGGATCTCGCCGGCCGACACGCCCGTGTCCGAG[A>G]GTTCGTCCCCGCTCAAGAGCGAGGTGCTGGCCCAGCGGGACTGCGAGAAGAACTGCGCCA-3'
Protein context (NP_006584.1, residues 640-660): ISPADTPVSE[Ser650Gly]SSPLKSEVLA